The following is an entry in ClinVar:

ClinVar aggregate classification (germline): Uncertain significance (1 of 4 stars; one submission).

Conditions:
Brugada syndrome 8 (BRGDA8). Identifiers: Orphanet 130, MedGen C2751083, MONDO:0013148, OMIM 613123.

Submission:

Labcorp Genetics (formerly Invitae), Labcorp
Classification: Uncertain significance for Brugada syndrome 8. Last evaluated: 2026-01-19. Review status: criteria provided, single submitter. Criteria: Invitae Variant Classification Sherloc (09022015). Collection method: clinical testing. Allele origin: germline.
Comment: This sequence change replaces proline, which is neutral and non-polar, with serine, which is neutral and polar, at codon 1153 of the HCN4 protein (p.Pro1153Ser). This variant is not present in population databases (gnomAD no frequency). This variant has not been reported in the literature in individuals affected with HCN4-related conditions. Invitae Evidence Modeling of protein sequence and biophysical properties (such as structural, functional, and spatial information, amino acid conservation, physicochemical variation, residue mobility, and thermodynamic stability) indicates that this missense variant is not expected to disrupt HCN4 protein function with a negative predictive value of 95%. In summary, the available evidence is currently insufficient to determine the role of this variant in disease. Therefore, it has been classified as a Variant of Uncertain Significance.

NM_005477.3(HCN4):c.3457C>T (p.Pro1153Ser)

Gene: HCN4 (hyperpolarization activated cyclic nucleotide gated potassium channel 4; minus strand). Cytogenetic location: 15q24.1.
Variant type: single nucleotide variant.
Coding change: c.3457C>T on transcript NM_005477.3 (MANE Select); coding-DNA position 3457, C replaced by T.
Protein change: p.Pro1153Ser; replaces proline 1153 with serine.
Molecular consequence: missense variant.
Genome position (GRCh38, 1-based): chr15:73,322,636, G>A on the plus strand (C>T on the coding strand, the complement: HCN4 is on the minus strand). VCF-style: chr15-73322636-G-A. GRCh37 (hg19) VCF-style: chr15-73614977-G-A.
Other names: short protein forms P1153S.
Identifiers: ClinVar variation 4797102 (VCV004797102.1).